The following is an entry in ClinVar:

ClinVar aggregate classification (germline): Likely benign. Review status: criteria provided, multiple submitters, no conflicts (2 of 4 stars). 3 submissions from 3 submitters: Likely benign (2). 1 of the submissions does not count toward it. Last evaluated 2024-10-30.

Conditions:
LRP1-related disorder. Also called: LRP1-related condition.

Allele frequency attached by ClinVar (database versions not stated): gnomAD exomes 0.00009 and 0.00020; gnomAD 0.00014 and 0.00015; ExAC 0.00017; TOPMed 0.00017; 1000 Genomes Project 0.00020; 1000 Genomes Project 30x 0.00031.
gnomAD v4.1: 166 of 1,614,176 alleles (0.01%); highest among the groups gnomAD compares: East Asian, 0.089%; 2 homozygotes.

Submissions (3):

Blueprint Genetics
Classification: Likely benign. Last evaluated: 2024-10-30. Review status: criteria provided, single submitter. Criteria: ACMG Guidelines, 2015. Collection method: clinical testing. Allele origin: germline.

Labcorp Genetics (formerly Invitae), Labcorp
Classification: Likely benign. Last evaluated: 2018-07-21. Review status: criteria provided, single submitter. Criteria: Invitae Variant Classification Sherloc (09022015). Collection method: clinical testing. Allele origin: germline.

PreventionGenetics, part of Exact Sciences
Classification: Likely benign for LRP1-related condition. Last evaluated: 2019-03-20. Review status: no assertion criteria provided. Collection method: clinical testing. Allele origin: germline. Not counted in ClinVar's aggregate classification.
Comment: This variant is classified as likely benign based on ACMG/AMP sequence variant interpretation guidelines (Richards et al. 2015 PMID: 25741868, with internal and published modifications).

NM_002332.3(LRP1):c.12405C>T (p.Asp4135=)

Gene: LRP1 (LDL receptor related protein 1; plus strand). Cytogenetic location: 12q13.3.
Variant type: single nucleotide variant.
Coding change: c.12405C>T on transcript NM_002332.3 (MANE Select); coding-DNA position 12405, C replaced by T.
Protein change: p.Asp4135=; no amino-acid change (aspartic acid 4135 retained).
Molecular consequence: synonymous variant.
Genome position (GRCh38, 1-based): chr12:57,209,834, C>T. VCF-style: chr12-57209834-C-T. GRCh37 (hg19) VCF-style: chr12-57603617-C-T.
Identifiers: ClinVar variation 725867 (VCV000725867.6), dbSNP rs200440566, ClinGen allele CA6645593.